The following is an entry in ClinVar:

ClinVar aggregate classification (germline): Uncertain significance (1 of 4 stars; one submission).

Allele frequency attached by ClinVar (database versions not stated): gnomAD exomes below 0.00001.
gnomAD v4.1: 1 of 1,614,244 alleles (0.000062%); highest among the groups gnomAD compares: East Asian, 0.0022%; no homozygotes.

Submission:

GeneDx
Classification: Uncertain significance. Last evaluated: 2021-01-15. Review status: criteria provided, single submitter. Criteria: GeneDx Variant Classification Process June 2021. Collection method: clinical testing. Allele origin: germline. Affected: yes.
Comment: Not observed in large population cohorts (Lek et al., 2016); In silico analysis supports that this missense variant does not alter protein structure/function; Has not been previously published as pathogenic or benign to our knowledge

NM_001128840.3(CACNA1D):c.1342A>G (p.Ile448Val)

Gene: CACNA1D (calcium voltage-gated channel subunit alpha1 D; plus strand). Cytogenetic location: 3p21.1.
Variant type: single nucleotide variant.
Coding change: c.1342A>G on transcript NM_001128840.3 (MANE Select); coding-DNA position 1342, A replaced by G.
Protein change: p.Ile448Val; replaces isoleucine 448 with valine.
Molecular consequence: missense variant.
Genome position (GRCh38, 1-based): chr3:53,702,762, A>G. VCF-style: chr3-53702762-A-G. GRCh37 (hg19) VCF-style: chr3-53736789-A-G.
Other names: c.1342A>G, p.Ile448Val (NM_000720.4, NM_001128839.3); short protein forms I448V.
Identifiers: ClinVar variation 1314058 (VCV001314058.2), dbSNP rs2108590982, ClinGen allele CA353384518.